The following is an entry in ClinVar:

NM_001005242.3(PKP2):c.148_151dup (p.Val51fs)

Gene: PKP2 (plakophilin 2; minus strand). Cytogenetic location: 12p11.21.
Variant type: Duplication.
Coding change: c.148_151dup on transcript NM_001005242.3 (MANE Select); coding-DNA positions 148 to 151, 4 bases duplicated (ACAG; older notation c.148_151dupACAG).
Protein change: p.Val51fs; shifts the reading frame from valine 51.
Molecular consequence: frameshift variant. On other transcripts: 5 prime UTR variant (4).
Genome position (GRCh38, 1-based): chr12:32,896,581-32,896,584, CTGT duplicated on the plus strand (ACAG on the coding strand, the reverse complement: PKP2 is on the minus strand); duplicating any 4 consecutive bases within chr12:32,896,581-32,896,587 gives the same sequence; the c. name uses the placement nearest the transcript's 3' end. VCF-style (leftmost placement, unchanged base first): chr12-32896580-A-ACTGT. GRCh37 (hg19) VCF-style: chr12-33049514-A-ACTGT.
Other names: c.148_151dup, p.Val51fs (NM_001407155.1, NM_001407156.1, NM_001407157.1 and 2 more transcripts); c.-679_-676dup (NM_001407158.1, NM_001407162.1); c.-443_-440dup (NM_001407159.1, NM_001407160.1); short protein forms V51fs.
Identifiers: ClinVar variation 2758407 (VCV002758407.3), dbSNP rs397516997, ClinGen allele CA2697559159.

ClinVar aggregate classification (germline): Pathogenic (1 of 4 stars; one submission).

Conditions:
Arrhythmogenic right ventricular dysplasia 9 (ARVD9). Also called: Arrhythmogenic Right Ventricular Dysplasia/Cardiomyopathy 9; ARRHYTHMOGENIC RIGHT VENTRICULAR DYSPLASIA, FAMILIAL, 9. Identifiers: MedGen C1836906, MONDO:0012180, OMIM 609040.

Submission:

Labcorp Genetics (formerly Invitae), Labcorp
Classification: Pathogenic for Arrhythmogenic right ventricular dysplasia 9. Last evaluated: 2023-09-06. Review status: criteria provided, single submitter. Criteria: Invitae Variant Classification Sherloc (09022015). Collection method: clinical testing. Allele origin: germline.
Comment: For these reasons, this variant has been classified as Pathogenic. This variant has not been reported in the literature in individuals affected with PKP2-related conditions. This variant is not present in population databases (gnomAD no frequency). This sequence change creates a premature translational stop signal (p.Val51Aspfs*36) in the PKP2 gene. It is expected to result in an absent or disrupted protein product. Loss-of-function variants in PKP2 are known to be pathogenic (PMID: 15489853, 23911551).

Literature cited by the submitters: PubMed 15489853; PubMed 23911551.